The following is an entry in ClinVar:

NM_006206.6(PDGFRA):c.2526C>G (p.Asp842Glu)

Gene: PDGFRA (platelet derived growth factor receptor alpha; plus strand). Cytogenetic location: 4q12.
Variant type: single nucleotide variant.
Coding change: c.2526C>G on transcript NM_006206.6 (MANE Select); coding-DNA position 2526, C replaced by G.
Protein change: p.Asp842Glu; replaces aspartic acid 842 with glutamic acid.
Molecular consequence: missense variant.
Genome position (GRCh38, 1-based): chr4:54,285,927, C>G. VCF-style: chr4-54285927-C-G. GRCh37 (hg19) VCF-style: chr4-55152094-C-G.
Other names: c.2601C>G, p.Asp867Glu (NM_001347828.2); c.2526C>G, p.Asp842Glu (NM_001347829.2); c.2565C>G, p.Asp855Glu (NM_001347830.2); short protein forms D842E, D855E, D867E.
Identifiers: ClinVar variation 3667247 (VCV003667247.2).

ClinVar aggregate classification (germline): Uncertain significance (1 of 4 stars; one submission).

Conditions:
Gastrointestinal stromal tumor. Also called: Gastrointestinal stromal tumor, somatic; Gastrointestinal stroma tumor. Identifiers: Orphanet 44890, MedGen C0238198, MeSH D046152, MONDO:0011719, OMIM 606764, HP:0100723.

Submission:

Labcorp Genetics (formerly Invitae), Labcorp
Classification: Uncertain significance for Gastrointestinal stromal tumor. Last evaluated: 2024-09-25. Review status: criteria provided, single submitter. Criteria: Invitae Variant Classification Sherloc (09022015). Collection method: clinical testing. Allele origin: germline.
Comment: This sequence change replaces aspartic acid, which is acidic and polar, with glutamic acid, which is acidic and polar, at codon 842 of the PDGFRA protein (p.Asp842Glu). This variant is not present in population databases (gnomAD no frequency). This variant has not been reported in the literature in individuals affected with PDGFRA-related conditions. Invitae Evidence Modeling of protein sequence and biophysical properties (such as structural, functional, and spatial information, amino acid conservation, physicochemical variation, residue mobility, and thermodynamic stability) has been performed for this missense variant. However, the output from this modeling did not meet the statistical confidence thresholds required to predict the impact of this variant on PDGFRA protein function. In summary, the available evidence is currently insufficient to determine the role of this variant in disease. Therefore, it has been classified as a Variant of Uncertain Significance.